The following is an entry in ClinVar:

NM_032776.3(JMJD1C):c.6386T>C (p.Ile2129Thr)

Gene: JMJD1C (jumonji domain containing 1C; minus strand). Cytogenetic location: 10q21.3.
Variant type: single nucleotide variant.
Coding change: c.6386T>C on transcript NM_032776.3 (MANE Select); coding-DNA position 6386, T replaced by C.
Protein change: p.Ile2129Thr; replaces isoleucine 2129 with threonine.
Molecular consequence: missense variant. On other transcripts: non-coding transcript variant (1).
Genome position (GRCh38, 1-based): chr10:63,189,352, A>G on the plus strand (T>C on the coding strand, the complement: JMJD1C is on the minus strand). VCF-style: chr10-63189352-A-G. GRCh37 (hg19) VCF-style: chr10-64949112-A-G.
Other names: c.5840T>C, p.Ile1947Thr (NM_001282948.2, NM_001318154.2); c.5522T>C, p.Ile1841Thr (NM_001318153.2); c.6272T>C, p.Ile2091Thr (NM_001322252.2); c.5729T>C, p.Ile1910Thr (NM_001322254.2, NM_001322258.2); short protein forms I1910T, I1947T, I2091T, I2129T, I1841T.
Identifiers: ClinVar variation 1396618 (VCV001396618.8), dbSNP rs369773366, ClinGen allele CA377024118.

ClinVar aggregate classification (germline): Uncertain significance (1 of 4 stars; one submission).

Conditions:
Early Myoclonic Encephalopathy. Identifiers: MedGen C0270855.

Submission:

Labcorp Genetics (formerly Invitae), Labcorp
Classification: Uncertain significance for Early Myoclonic Encephalopathy. Last evaluated: 2024-06-26. Review status: criteria provided, single submitter. Criteria: Invitae Variant Classification Sherloc (09022015). Collection method: clinical testing. Allele origin: germline.
Comment: This sequence change replaces isoleucine, which is neutral and non-polar, with threonine, which is neutral and polar, at codon 2129 of the JMJD1C protein (p.Ile2129Thr). This variant is not present in population databases (gnomAD no frequency). This variant has not been reported in the literature in individuals affected with JMJD1C-related conditions. ClinVar contains an entry for this variant (Variation ID: 1396618). Advanced modeling of protein sequence and biophysical properties (such as structural, functional, and spatial information, amino acid conservation, physicochemical variation, residue mobility, and thermodynamic stability) performed at Invitae indicates that this missense variant is not expected to disrupt JMJD1C protein function with a negative predictive value of 80%. In summary, the available evidence is currently insufficient to determine the role of this variant in disease. Therefore, it has been classified as a Variant of Uncertain Significance.